The following is an entry in ClinVar:

NM_172107.4(KCNQ2):c.902G>T (p.Gly301Val)

Gene: KCNQ2 (potassium voltage-gated channel subfamily Q member 2; minus strand). Cytogenetic location: 20q13.33.
Variant type: single nucleotide variant.
Coding change: c.902G>T on transcript NM_172107.4 (MANE Select); coding-DNA position 902, G replaced by T.
Protein change: p.Gly301Val; replaces glycine 301 with valine.
Molecular consequence: missense variant.
Genome position (GRCh38, 1-based): chr20:63,439,623, C>A on the plus strand (G>T on the coding strand, the complement: KCNQ2 is on the minus strand). VCF-style: chr20-63439623-C-A. GRCh37 (hg19) VCF-style: chr20-62070976-C-A.
Other names: c.902G>T, p.Gly301Val (NM_004518.6, NM_172106.3, NM_172108.5 and 1 more transcripts); short protein forms G301V.
Identifiers: ClinVar variation 430386 (VCV000430386.12), dbSNP rs1131691936, ClinGen allele CA409652524.
Genomic context (GRCh38, chr20:63,439,623, plus strand): 5'-CCCCCTCCAAGGCAGGCAGGGGCAGCTGGACTTACTGCAGGCAGCGCGAAGAAGGAGACA[C>A]CGATGAGGGTGAAGGTTGCCGCAAGGAGCCTGCCGTTCCAGGTCTGGGGGTACTTGTCCC-3'
Protein context (NP_742105.1, residues 291-311): RLLAATFTLI[Gly301Val]VSFFALPAGI

ClinVar aggregate classification (germline): Likely pathogenic. Review status: criteria provided, multiple submitters, no conflicts (2 of 4 stars). 2 submissions from 2 submitters: Likely pathogenic (2). Last evaluated 2022-11-29.

Conditions:
Early-infantile DEE. Also called: Early infantile epileptic encephalopathy; Ohtahara syndrome; Early infantile epileptic encephalopathy with suppression bursts. Identifiers: Orphanet 1934, MedGen C0393706, MONDO:0800491.

Submissions (2):

Labcorp Genetics (formerly Invitae), Labcorp
Classification: Likely pathogenic for Early-infantile DEE. Last evaluated: 2022-11-29. Review status: criteria provided, single submitter. Criteria: Invitae Variant Classification Sherloc (09022015). Collection method: clinical testing. Allele origin: germline.
Comment: This variant is not present in population databases (gnomAD no frequency). This variant has not been reported in the literature in individuals affected with KCNQ2-related conditions. ClinVar contains an entry for this variant (Variation ID: 430386). Advanced modeling of protein sequence and biophysical properties (such as structural, functional, and spatial information, amino acid conservation, physicochemical variation, residue mobility, and thermodynamic stability) performed at Invitae indicates that this missense variant is expected to disrupt KCNQ2 protein function. This variant disrupts the p.Gly301 amino acid residue in KCNQ2. Other variant(s) that disrupt this residue have been determined to be pathogenic (PMID: 27864847). This suggests that this residue is clinically significant, and that variants that disrupt this residue are likely to be disease-causing. In summary, the currently available evidence indicates that the variant is pathogenic, but additional data are needed to prove that conclusively. Therefore, this variant has been classified as Likely Pathogenic. This sequence change replaces glycine, which is neutral and non-polar, with valine, which is neutral and non-polar, at codon 301 of the KCNQ2 protein (p.Gly301Val).

GeneDx
Classification: Likely pathogenic. Last evaluated: 2015-08-31. Review status: criteria provided, single submitter. Criteria: GeneDx Variant Classification (06012015). Collection method: clinical testing. Allele origin: germline. Affected: yes.
Comment: The G301V variant has not been published as a pathogenic variant, nor has it been reported as a benign polymorphism to our knowledge. It was not observed in approximately 6,500 individuals of European and African American ancestry in the NHLBI Exome Sequencing Project, indicating it is not a common benign variant in these populations. The G301V variant is a conservative amino acid substitution, which is not likely to impact secondary protein structure as these residues share similar properties. However, this substitution occurs at a position that is conserved across species and missense variants in nearby residues have been reported in the Human Gene Mutation Database in association with KCNQ2-related disorders (Stenson et al., 2014), supporting the functional importance of this region of the protein. In addition, in silico analysis predicts this variant is probably damaging to the protein structure/function. Therefore, this variant is a strong candidate for a pathogenic variant, however the possibility that it is a benign variant cannot be excluded.

Literature cited by the submitters: PubMed 27864847 (cited by Labcorp Genetics (formerly Invitae), Labcorp).